The following is an entry in ClinVar:

ClinVar aggregate classification (germline): Uncertain significance. Review status: criteria provided, multiple submitters, no conflicts (2 of 4 stars). 3 submissions from 3 submitters: Uncertain significance (3). Last evaluated 2025-11-13.

Conditions:
Hereditary cancer-predisposing syndrome. Also called: Hereditary neoplastic syndrome; Tumor predisposition; Neoplastic Syndromes, Hereditary; Hereditary Cancer Syndrome. Identifiers: Orphanet 140162, MedGen C0027672, MeSH D009386, MONDO:0015356.
DICER1-related tumor predisposition. Also called: DICER1 syndrome; DICER1-related pleuropulmonary blastoma cancer predisposition syndrome. Identifiers: Orphanet 284343, MedGen C3839822, MONDO:0100216.
Global developmental delay - lung cysts - overgrowth - Wilms tumor syndrome. Also called: GLOBAL DEVELOPMENTAL DELAY, LUNG CYSTS, OVERGROWTH, AND WILMS TUMOR; GLOW Syndrome. Identifiers: Orphanet 404476, MedGen C4748924, MONDO:0018445, OMIM 618272.

Allele frequency attached by ClinVar (database versions not stated): gnomAD 0.00001; TOPMed 0.00001; gnomAD exomes below 0.00001.
gnomAD v4.1: 5 of 1,613,784 alleles (0.00031%); highest among the groups gnomAD compares: Middle Eastern, 0.033%; no homozygotes.

Submissions (3):

Labcorp Genetics (formerly Invitae), Labcorp
Classification: Uncertain significance for DICER1-related tumor predisposition. Last evaluated: 2025-11-13. Review status: criteria provided, single submitter. Criteria: Invitae Variant Classification Sherloc (09022015). Collection method: clinical testing. Allele origin: germline.
Comment: This sequence change replaces isoleucine, which is neutral and non-polar, with valine, which is neutral and non-polar, at codon 521 of the DICER1 protein (p.Ile521Val). This variant is not present in population databases (gnomAD no frequency). This variant has not been reported in the literature in individuals affected with DICER1-related conditions. ClinVar contains an entry for this variant (Variation ID: 949297). Invitae Evidence Modeling of protein sequence and biophysical properties (such as structural, functional, and spatial information, amino acid conservation, physicochemical variation, residue mobility, and thermodynamic stability) indicates that this missense variant is not expected to disrupt DICER1 protein function with a negative predictive value of 95%. In summary, the available evidence is currently insufficient to determine the role of this variant in disease. Therefore, it has been classified as a Variant of Uncertain Significance.

Ambry Genetics
Classification: Uncertain significance for Hereditary cancer-predisposing syndrome. Last evaluated: 2024-10-11. Review status: criteria provided, single submitter. Criteria: Ambry Variant Classification Scheme 2023. Collection method: clinical testing. Allele origin: germline.
Comment: The p.I521V variant (also known as c.1561A>G), located in coding exon 9 of the DICER1 gene, results from an A to G substitution at nucleotide position 1561. The isoleucine at codon 521 is replaced by valine, an amino acid with highly similar properties. This amino acid position is well conserved in available vertebrate species. In addition, this alteration is predicted to be tolerated by in silico analysis. Since supporting evidence is limited at this time, the clinical significance of this alteration remains unclear.

Baylor Genetics
Classification: Uncertain significance for Global developmental delay - lung cysts - overgrowth - Wilms tumor syndrome. Last evaluated: 2023-08-23. Review status: criteria provided, single submitter. Criteria: ACMG Guidelines, 2015. Collection method: clinical testing. Allele origin: unknown.

NM_177438.3(DICER1):c.1561A>G (p.Ile521Val)

Gene: DICER1 (dicer 1, ribonuclease III; minus strand). Cytogenetic location: 14q32.13.
Variant type: single nucleotide variant.
Coding change: c.1561A>G on transcript NM_177438.3 (MANE Select); coding-DNA position 1561, A replaced by G.
Protein change: p.Ile521Val; replaces isoleucine 521 with valine.
Molecular consequence: missense variant.
Genome position (GRCh38, 1-based): chr14:95,116,644, T>C on the plus strand (A>G on the coding strand, the complement: DICER1 is on the minus strand). VCF-style: chr14-95116644-T-C. GRCh37 (hg19) VCF-style: chr14-95582981-T-C.
Other names: c.1561A>G, p.Ile521Val (NM_001195573.1, NM_001271282.3, NM_001291628.2 and 1 more transcripts); short protein forms I521V.
Identifiers: ClinVar variation 949297 (VCV000949297.13), dbSNP rs966168689, ClinGen allele CA265916550.